The following is an entry in ClinVar:

NM_001372044.2(SHANK3):c.5170CCCGGC[3] (p.Gly1727_Ala1728insProGly)

Gene: SHANK3 (SH3 and multiple ankyrin repeat domains 3; plus strand). Cytogenetic location: 22q13.33.
Variant type: Microsatellite.
Coding change: c.5170CCCGGC[3] on transcript NM_001372044.2 (MANE Select); three copies in a row of the 6-base unit CCCGGC starting at c.5170; the reference has two copies in a row; one copy, 6 bases duplicated.
Protein change: p.Gly1727_Ala1728insProGly.
Molecular consequence: inframe insertion.
Genome position (GRCh38, 1-based): chr22:50,731,067-50,731,072, CCCGGC duplicated; duplicating any 6 consecutive bases within chr22:50,731,056-50,731,072 gives the same sequence; the position shown is the placement nearest the transcript's 3' end. VCF-style (leftmost placement, unchanged base first): chr22-50731055-T-TCCGGCC. GRCh37 (hg19) VCF-style: chr22-51169483-T-TCCGGCC.
Other names: c.4951_4956dup (NM_033517.1); c.4951_4956dupCCCGGC (NM_033517.1).
Identifiers: ClinVar variation 1212696 (VCV001212696.10), dbSNP rs1054399689, ClinGen allele CA325591101.
Genomic context (GRCh38, chr22:50,731,055, plus strand): 5'-GTGCGCAGCGTGAGCGCGCGCAGTCGCTCCCCCTCGCCGTCGCCGCTGCCCTCGCCCGCG[T>TCCGGCC]CCGGCCCCGGCCCCGGCGCCCCCGGCCCACGCCGACCCTTCCAGCAGAAGCCGCTGCAGC-3'

ClinVar aggregate classification (germline): Conflicting classifications of pathogenicity. Review status: criteria provided, conflicting classifications (1 of 4 stars). 4 submissions from 4 submitters: Uncertain significance (2); Likely benign (2). Last evaluated 2025-04-04.

Conditions:
Congenital anomaly of kidney and urinary tract. Also called: Congenital anomalies of the kidney and urinary tract; Congenital anomalies of kidney and urinary tract. Identifiers: Orphanet 93545, MedGen C1968949, MeSH C566906, MONDO:0019719.
Inborn genetic diseases. Identifiers: MedGen C0950123, MeSH D030342.

Submissions (4):

Ambry Genetics
Classification: Uncertain significance for Inborn genetic diseases. Last evaluated: 2025-04-04. Review status: criteria provided, single submitter. Criteria: Ambry Variant Classification Scheme 2023. Collection method: clinical testing. Allele origin: germline.
Comment: The c.4951_4956dupCCCGGC (p.P1651_G1652dup) alteration is located in exon 22 (coding exon 22) of the SHANK3 gene. The alteration consists of an in-frame duplication of 6 nucleotides from position 4951 to 4956, resulting in the duplication of 2 residues. Based on insufficient or conflicting evidence, the clinical significance of this alteration remains unclear.

Blueprint Genetics
Classification: Likely benign. Last evaluated: 2024-11-21. Review status: criteria provided, single submitter. Criteria: ACMG Guidelines, 2015. Collection method: clinical testing. Allele origin: germline.

GeneDx
Classification: Likely benign. Last evaluated: 2022-08-03. Review status: criteria provided, single submitter. Criteria: GeneDx Variant Classification Process June 2021. Collection method: clinical testing. Allele origin: germline. Affected: yes.
Comment: See Variant Classification Assertion Criteria.

Cambridge Genomics Laboratory, East Genomic Laboratory Hub, NHS Genomic Medicine Service
Classification: Uncertain significance for Congenital anomaly of kidney and urinary tract. Last evaluated: 2020-04-29. Review status: criteria provided, single submitter. Criteria: ACGS Best Practice Guidelines for Variant Classification in Rare Disease 2020. Collection method: clinical testing. Allele origin: germline. Affected: yes. Observed: 1 variant allele.